The following is an entry in ClinVar:

NM_006393.3(NEBL):c.2271G>A (p.Met757Ile)

Gene: NEBL (nebulette; minus strand). Cytogenetic location: 10p12.31.
Variant type: single nucleotide variant.
Coding change: c.2271G>A on transcript NM_006393.3 (MANE Select); coding-DNA position 2271, G replaced by A.
Protein change: p.Met757Ile; replaces methionine 757 with isoleucine.
Molecular consequence: missense variant. On other transcripts: intron variant (9).
Genome position (GRCh38, 1-based): chr10:20,814,014, C>T on the plus strand (G>A on the coding strand, the complement: NEBL is on the minus strand). VCF-style: chr10-20814014-C-T. GRCh37 (hg19) VCF-style: chr10-21102943-C-T.
Other names: p.M757I:ATG>ATA; c.250-1074G>A (NM_001377326.1, NM_001377327.1, NM_001377328.1); c.358-1074G>A (NM_213569.2, NM_001173484.2, NM_001377322.1); c.301-1074G>A (NM_001377324.1); c.292-1074G>A (NM_001377325.1); c.310-1074G>A (NM_001377323.1); short protein forms M757I.
Identifiers: ClinVar variation 201905 (VCV000201905.2), dbSNP rs794729079, ClinGen allele CA335358.

ClinVar aggregate classification (germline): Uncertain significance (1 of 4 stars; one submission).

Allele frequency attached by ClinVar (database versions not stated): gnomAD exomes below 0.00001.
gnomAD v4.1: 5 of 1,609,488 alleles (0.00031%); highest among the groups gnomAD compares: Non-Finnish European, 0.00043%; no homozygotes.

Submission:

GeneDx
Classification: Uncertain significance. Last evaluated: 2014-02-26. Review status: criteria provided, single submitter. Criteria: GeneDx Variant Classification (06012015). Collection method: clinical testing. Allele origin: germline. Affected: yes.
Comment: p.Met757Ile (ATG>ATA): c.2271 G>A in exon 23 of the NEBL gene (NM_006393.2). Although rare, mutations in the NEBL gene have been reported in association with dilated cardiomyopathy and endocardial fibroelastosis (Purevjav E at al., 2010). The M757I variant in the NEBL gene has not been reported as a disease-causing mutation or as a benign polymorphism to our knowledge. M757I was not observed in approximately 6500 individuals of European and African American ancestry in the NHLBI Exome Sequencing Project, indicating it is not a common benign variant in these populations. However, M757I is a conservative amino acid substitution as these residues share similar properties, and are least likely to impact secondary structure. The M757 residue is not well conserved across species and in silico analysis predicts M757I is benign to the protein structure/function. Additionally, missense mutations in nearby residues have not been reported, indicating this region of the protein may tolerate change. With the clinical and molecular information available at this time, we cannot definitively determine if M757I is a disease-causing mutation or a rare benign variant. The variant is found in CARDIOMYOPATHY panel(s).